The following is an entry in ClinVar:

ClinVar aggregate classification (germline): Uncertain significance. Review status: criteria provided, multiple submitters, no conflicts (2 of 4 stars). 2 submissions from 2 submitters: Uncertain significance (2). Last evaluated 2024-07-11.

Conditions:
Cardiovascular phenotype. Identifiers: MedGen CN230736.
Hereditary cancer-predisposing syndrome. Also called: Neoplastic Syndromes, Hereditary; Tumor predisposition; Hereditary Cancer Syndrome; Hereditary neoplastic syndrome. Identifiers: Orphanet 140162, MedGen C0027672, MeSH D009386, MONDO:0015356.

Submissions (2):

Ambry Genetics
Classification: Uncertain significance for Cardiovascular phenotype; Hereditary cancer-predisposing syndrome. Last evaluated: 2024-07-11. Review status: criteria provided, single submitter. Criteria: Ambry Variant Classification Scheme 2023. Collection method: clinical testing. Allele origin: germline.
Comment: The p.W54R variant (also known as c.160T>C), located in coding exon 1 of the LZTR1 gene, results from a T to C substitution at nucleotide position 160. The tryptophan at codon 54 is replaced by arginine, an amino acid with dissimilar properties. This amino acid position is highly conserved in available vertebrate species. In addition, this alteration is predicted to be deleterious by in silico analysis. Based on the available evidence, the clinical significance of this variant remains unclear.

Labcorp Genetics (formerly Invitae), Labcorp
Classification: Uncertain significance. Last evaluated: 2023-11-24. Review status: criteria provided, single submitter. Criteria: Invitae Variant Classification Sherloc (09022015). Collection method: clinical testing. Allele origin: germline.
Comment: This sequence change replaces tryptophan, which is neutral and slightly polar, with arginine, which is basic and polar, at codon 54 of the LZTR1 protein (p.Trp54Arg). This variant is not present in population databases (gnomAD no frequency). This variant has not been reported in the literature in individuals affected with LZTR1-related conditions. ClinVar contains an entry for this variant (Variation ID: 1776372). Advanced modeling of protein sequence and biophysical properties (such as structural, functional, and spatial information, amino acid conservation, physicochemical variation, residue mobility, and thermodynamic stability) performed at Invitae indicates that this missense variant is not expected to disrupt LZTR1 protein function with a negative predictive value of 80%. In summary, the available evidence is currently insufficient to determine the role of this variant in disease. Therefore, it has been classified as a Variant of Uncertain Significance.

NM_006767.4(LZTR1):c.160T>C (p.Trp54Arg)

Gene: LZTR1 (leucine zipper like post translational regulator 1; plus strand). Cytogenetic location: 22q11.21.
Variant type: single nucleotide variant.
Coding change: c.160T>C on transcript NM_006767.4 (MANE Select); coding-DNA position 160, T replaced by C.
Protein change: p.Trp54Arg; replaces tryptophan 54 with arginine.
Molecular consequence: missense variant.
Genome position (GRCh38, 1-based): chr22:20,982,531, T>C. VCF-style: chr22-20982531-T-C. GRCh37 (hg19) VCF-style: chr22-21336820-T-C.
Other names: short protein forms W54R.
Identifiers: ClinVar variation 1776372 (VCV001776372.6), dbSNP rs1170063499, ClinGen allele CA410778011.